The following is an entry in ClinVar:

NM_016156.6(MTMR2):c.1591G>T (p.Glu531Ter)

Gene: MTMR2 (myotubularin related protein 2; minus strand). Cytogenetic location: 11q21.
Variant type: single nucleotide variant.
Coding change: c.1591G>T on transcript NM_016156.6 (MANE Select); coding-DNA position 1591, G replaced by T.
Protein change: p.Glu531Ter; replaces glutamic acid 531 with a stop codon.
Molecular consequence: nonsense.
Genome position (GRCh38, 1-based): chr11:95,838,096, C>A on the plus strand (G>T on the coding strand, the complement: MTMR2 is on the minus strand). VCF-style: chr11-95838096-C-A. GRCh37 (hg19) VCF-style: chr11-95571260-C-A.
Other names: c.1375G>T, p.Glu459Ter (NM_001243571.2, NM_201278.3, NM_201281.3); short protein forms E531*, E459*.
Identifiers: ClinVar variation 934679 (VCV000934679.9), dbSNP rs1863365049, ClinGen allele CA382416267.
Genomic context (GRCh38, chr11:95,838,096, plus strand): 5'-TTTTAGGGAAAAGTATACAGTAGAGATAGTATGGGGAAGGTCATGTTTCATATTTTACCT[C>A]TTTTCCTCTCTGTTGTTCACTATTACAGAGGAATGTTCCGAATAAGCAGCTGTATAGGTG-3'

ClinVar aggregate classification (germline): Pathogenic. Review status: criteria provided, multiple submitters, no conflicts (2 of 4 stars). 2 submissions from 2 submitters: Pathogenic (2). Last evaluated 2023-01-06.

Conditions:
Inborn genetic diseases. Identifiers: MedGen C0950123, MeSH D030342.
Charcot-Marie-Tooth disease type 4. Also called: Charcot-Marie-Tooth, Type 4; Charcot-Marie-Tooth disease, type IV. Identifiers: Orphanet 64749, MedGen C4082197, MONDO:0018995.

gnomAD v4.1: 2 of 1,578,226 alleles (0.00013%); highest among the groups gnomAD compares: Non-Finnish European, 0.00017%; no homozygotes.

Submissions (2):

Ambry Genetics
Classification: Pathogenic for Inborn genetic diseases. Last evaluated: 2023-01-06. Review status: criteria provided, single submitter. Criteria: Ambry Variant Classification Scheme 2023. Collection method: clinical testing. Allele origin: germline.
Comment: The c.1591G>T (p.E531*) alteration, located in exon 13 (coding exon 13) of the MTMR2 gene, consists of a G to T substitution at nucleotide position 1591. This changes the amino acid from a glutamic acid (E) to a stop codon at amino acid position 531. This alteration is expected to result in loss of function by premature protein truncation or nonsense-mediated mRNA decay. This variant was not reported in population-based cohorts in the Genome Aggregation Database (gnomAD). Based on the available evidence, this alteration is classified as pathogenic.

Labcorp Genetics (formerly Invitae), Labcorp
Classification: Pathogenic for Charcot-Marie-Tooth disease type 4. Last evaluated: 2019-08-23. Review status: criteria provided, single submitter. Criteria: Invitae Variant Classification Sherloc (09022015). Collection method: clinical testing. Allele origin: germline.
Comment: This variant is not present in population databases (ExAC no frequency). For these reasons, this variant has been classified as Pathogenic. Loss-of-function variants in MTMR2 are known to be pathogenic (PMID: 10802647). This variant has not been reported in the literature in individuals with MTMR2-related conditions. This sequence change creates a premature translational stop signal (p.Glu531*) in the MTMR2 gene. It is expected to result in an absent or disrupted protein product.

Literature cited by the submitters: PubMed 10802647 (cited by Labcorp Genetics (formerly Invitae), Labcorp).